The following is an entry in ClinVar:

NM_001267550.2(TTN):c.77671C>T (p.Pro25891Ser)

Genes: TTN (titin; minus strand), TTN-AS1 (TTN antisense RNA 1; plus strand). Cytogenetic location: 2q31.2.
Variant type: single nucleotide variant.
Coding change: c.77671C>T on transcript NM_001267550.2 (MANE Select); coding-DNA position 77671, C replaced by T.
Protein change: p.Pro25891Ser; replaces proline 25891 with serine.
Molecular consequence: missense variant.
Genome position (GRCh38, 1-based): chr2:178,568,461, G>A on the plus strand (C>T on the coding strand, the complement: TTN is on the minus strand). VCF-style: chr2-178568461-G-A. GRCh37 (hg19) VCF-style: chr2-179433188-G-A.
Other names: c.72748C>T, p.Pro24250Ser (NM_001256850.1); c.50476C>T, p.Pro16826Ser (NM_003319.4); c.69967C>T, p.Pro23323Ser (NM_133378.4); c.50851C>T, p.Pro16951Ser (NM_133432.3); c.51052C>T, p.Pro17018Ser (NM_133437.4); short protein forms P16826S, P16951S, P17018S, P23323S, P24250S, P25891S.
Identifiers: ClinVar variation 3251450 (VCV003251450.1), dbSNP rs1214607347.

ClinVar aggregate classification (germline): Uncertain significance (1 of 4 stars; one submission).

gnomAD v4.1: 1 of 1,613,322 alleles (0.000062%); highest among the groups gnomAD compares: Non-Finnish European, 0.000085%; no homozygotes.

Submission:

Women's Health and Genetics/Laboratory Corporation of America, LabCorp
Classification: Uncertain significance. Last evaluated: 2024-04-08. Review status: criteria provided, single submitter. Criteria: LabCorp Variant Classification Summary - May 2015. Collection method: clinical testing. Allele origin: germline.
Comment: Variant summary: TTN c.69967C>T (p.Pro23323Ser) results in a non-conservative amino acid change located in the A-band region of the encoded protein sequence. Four of four in-silico tools predict a damaging effect of the variant on protein function. The variant was absent in 248238 control chromosomes. The available data on variant occurrences in the general population are insufficient to allow any conclusion about variant significance. To our knowledge, no occurrence of c.69967C>T in individuals affected with TTN-related conditions and no experimental evidence demonstrating its impact on protein function have been reported. No submitters have cited clinical-significance assessments for this variant to ClinVar. Based on the evidence outlined above, the variant was classified as uncertain significance.